The following is an entry in ClinVar:

NM_199420.4(POLQ):c.6013C>T (p.Leu2005Phe)

Gene: POLQ (DNA polymerase theta; minus strand). Cytogenetic location: 3q13.33.
Variant type: single nucleotide variant.
Coding change: c.6013C>T on transcript NM_199420.4 (MANE Select); coding-DNA position 6013, C replaced by T.
Protein change: p.Leu2005Phe; replaces leucine 2005 with phenylalanine.
Molecular consequence: missense variant.
Genome position (GRCh38, 1-based): chr3:121,481,770, G>A on the plus strand (C>T on the coding strand, the complement: POLQ is on the minus strand). VCF-style: chr3-121481770-G-A. GRCh37 (hg19) VCF-style: chr3-121200617-G-A.
Other names: short protein forms L2005F.
Identifiers: ClinVar variation 1751086 (VCV001751086.2), dbSNP rs2546780489, ClinGen allele CA354088209.
Genomic context (GRCh38, chr3:121,481,770, plus strand): 5'-TCTCCATCCCTTCTAGGAGTGGAAGCTCATGAGGAAGAAAACTGGTAACTATGCTATGAA[G>A]AGTCGGCTCCTGAGAATCTGGATCTAGTAACCAGCATGCCACCTGAATGGGATAGCAATG-3'
Protein context (NP_955452.3, residues 1995-2015): LLDPDSQEPT[Leu2005Phe]HSIVTSFLPH

ClinVar aggregate classification (germline): Uncertain significance (1 of 4 stars; one submission).

Submission:

Ambry Genetics
Classification: Uncertain significance. Last evaluated: 2022-04-22. Review status: criteria provided, single submitter. Criteria: Ambry Variant Classification Scheme 2023. Collection method: clinical testing. Allele origin: germline.
Comment: The p.L2005F variant (also known as c.6013C>T), located in coding exon 19 of the POLQ gene, results from a C to T substitution at nucleotide position 6013. The leucine at codon 2005 is replaced by phenylalanine, an amino acid with highly similar properties. This amino acid position is conserved. In addition, this alteration is predicted to be tolerated by in silico analysis. Since supporting evidence is limited at this time, the clinical significance of this alteration remains unclear.